The following is an entry in ClinVar:

NM_001348768.2(HECW2):c.3896T>A (p.Phe1299Tyr)

Gene: HECW2 (HECT, C2 and WW domain containing E3 ubiquitin protein ligase 2; minus strand). Cytogenetic location: 2q32.3.
Variant type: single nucleotide variant.
Coding change: c.3896T>A on transcript NM_001348768.2 (MANE Select); coding-DNA position 3896, T replaced by A.
Protein change: p.Phe1299Tyr; replaces phenylalanine 1299 with tyrosine.
Molecular consequence: missense variant.
Genome position (GRCh38, 1-based): chr2:196,228,123, A>T on the plus strand (T>A on the coding strand, the complement: HECW2 is on the minus strand). VCF-style: chr2-196228123-A-T. GRCh37 (hg19) VCF-style: chr2-197092847-A-T.
Other names: c.2828T>A, p.Phe943Tyr (NM_001304840.3); c.3896T>A, p.Phe1299Tyr (NM_020760.4); short protein forms F1299Y, F943Y.
Identifiers: ClinVar variation 3363970 (VCV003363970.1).

ClinVar aggregate classification (germline): Uncertain significance (1 of 4 stars; one submission).

Submission:

GeneDx
Classification: Uncertain significance. Last evaluated: 2023-11-16. Review status: criteria provided, single submitter. Criteria: GeneDx Variant Classification Process June 2021. Collection method: clinical testing. Allele origin: germline. Affected: yes.
Comment: Not observed at significant frequency in large population cohorts (gnomAD); In silico analysis supports that this missense variant has a deleterious effect on protein structure/function; Has not been previously published as pathogenic or benign to our knowledge